The following is an entry in ClinVar:

NM_000110.4(DPYD):c.2983G>T (p.Val995Phe)

Gene: DPYD (dihydropyrimidine dehydrogenase; minus strand). Cytogenetic location: 1p21.3.
Variant type: single nucleotide variant.
Coding change: c.2983G>T on transcript NM_000110.4 (MANE Select); coding-DNA position 2983, G replaced by T.
Protein change: p.Val995Phe; replaces valine 995 with phenylalanine.
Molecular consequence: missense variant.
Genome position (GRCh38, 1-based): chr1:97,079,071, C>A on the plus strand (G>T on the coding strand, the complement: DPYD is on the minus strand). VCF-style: chr1-97079071-C-A. GRCh37 (hg19) VCF-style: chr1-97544627-C-A.
Other names: short protein forms V995F.
Identifiers: ClinVar variation 635267 (VCV000635267.5), dbSNP rs1801268, ClinGen allele CA27458647.

ClinVar aggregate classification (germline): drug response. Review status: reviewed by expert panel (3 of 4 stars). 3 submissions from 3 submitters: drug response (1). 2 of the submissions do not count toward it. Last evaluated 2021-03-24.

Conditions:
Dihydropyrimidine dehydrogenase deficiency (DPYDD). Also called: Hereditary Thymine-Uraciluria; DPD DEFICIENCY; DPYD DEFICIENCY. Identifiers: Orphanet 1675, MedGen C1959620, MONDO:0010130, OMIM 274270.
fluorouracil response - Other.

Allele frequency attached by ClinVar (database versions not stated): TOPMed below 0.00001.
gnomAD v4.1: 4 of 1,613,740 alleles (0.00025%); highest among the groups gnomAD compares: Non-Finnish European, 0.00025%; no homozygotes.

Submissions (3):

ClinPGx
Classification: drug response for fluorouracil response - Other. Last evaluated: 2021-03-24. Review status: reviewed by expert panel. Criteria: Pharmacogenomics knowledge for personalized medicine. Collection method: curation. Allele origin: germline. Affected: yes.
Comment: PharmGKB Level of Evidence 1A: Level 1A clinical annotations describe variant-drug combinations that have variant-specific prescribing guidance available in a current clinical guideline annotation or an FDA-approved drug label annotation. Annotations of drug labels or clinical guidelines must give prescribing guidance for specific variants (e.g. CYP2C9*3, HLA-B*57:01) or provide mapping from defined allele functions to diplotypes and phenotypes to be used as supporting evidence for a level 1A clinical annotation. Level 1A clinical annotations must also be supported by at least one publication in addition to a clinical guideline or drug label with variant-specific prescribing guidance.

Myriad Genetics, Inc.
Classification: Likely pathogenic for Dihydropyrimidine dehydrogenase deficiency. Last evaluated: 2025-09-10. Review status: criteria provided, single submitter. Criteria: Myriad Autosomal Dominant, Autosomal Recessive and X-Linked Classification Criteria (2023). Collection method: clinical testing. Allele origin: unknown. Not counted in ClinVar's aggregate classification.
Comment: NM_000110.3(DPYD):c.2983G>T(V995F) is a missense variant classified as likely pathogenic in the context of dihydropyrimidine dehydrogenase deficiency. V995F has been observed in a case with relevant disease (PMID: 9686374). Relevant functional assessments of this variant are available in the literature (PMID: 24648345). V995F has not been observed in referenced population frequency databases. In summary, NM_000110.3(DPYD):c.2983G>T(V995F) is a missense variant that has both functional and internal structural support for pathogenicity and has been observed more frequently in cases with the relevant disease than in healthy populations. Please note: this variant was assessed in the context of healthy population screening.

Women's Health and Genetics/Laboratory Corporation of America, LabCorp
Classification: Likely pathogenic for Dihydropyrimidine dehydrogenase deficiency. Last evaluated: 2023-11-21. Review status: criteria provided, single submitter. Criteria: LabCorp Variant Classification Summary - May 2015. Collection method: clinical testing. Allele origin: germline. Not counted in ClinVar's aggregate classification.
Comment: Variant summary: DPYD c.2983G>T (p.Val995Phe) results in a non-conservative amino acid change located in the 4Fe-4S ferredoxin-type, iron-sulphur binding domain (IPR017896) of the encoded protein sequence. Five of five in-silico tools predict a damaging effect of the variant on protein function. The variant was absent in 251376 control chromosomes (gnomAD). c.2983G>T has been reported in the literature in the homozygous state in an individual affected with Dihydropyrimidine Dehydrogenase Deficiency (Vreken_1998). At least two publications report experimental evidence evaluating an impact on protein function and found that the variant results in <12.5% enzymatic activity compared to the WT protein (e.g. Vreken_1998, Offer_2014). The following publications have been ascertained in the context of this evaluation (PMID: 24648345, 9686374). Based on the evidence outlined above, the variant was classified as likely pathogenic.

Literature cited by the submitters: PubMed 10071185 (cited by ClinPGx); PubMed 24648345 (cited by 3 submitters); PubMed 9686374 (cited by Myriad Genetics, Inc. and Women's Health and Genetics/Laboratory Corporation of America, LabCorp).